The following is an entry in ClinVar:

ClinVar aggregate classification (germline): Uncertain significance (1 of 4 stars; one submission).

Conditions:
Dilated cardiomyopathy 1W (CMD1W). Identifiers: Orphanet 154, MedGen C1969639, MONDO:0012667, OMIM 611407.

Submission:

Labcorp Genetics (formerly Invitae), Labcorp
Classification: Uncertain significance for Dilated cardiomyopathy 1W. Last evaluated: 2026-01-18. Review status: criteria provided, single submitter. Criteria: Invitae Variant Classification Sherloc (09022015). Collection method: clinical testing. Allele origin: germline.
Comment: This sequence change replaces arginine, which is basic and polar, with leucine, which is neutral and non-polar, at codon 409 of the VCL protein (p.Arg409Leu). This variant is not present in population databases (gnomAD no frequency). This variant has not been reported in the literature in individuals affected with VCL-related conditions. An algorithm developed to predict the effect of missense changes on protein structure and function (PolyPhen-2) suggests that this variant is likely to be tolerated. In summary, the available evidence is currently insufficient to determine the role of this variant in disease. Therefore, it has been classified as a Variant of Uncertain Significance.

NM_014000.3(VCL):c.1226G>T (p.Arg409Leu)

Gene: VCL (vinculin; plus strand). Cytogenetic location: 10q22.2.
Variant type: single nucleotide variant.
Coding change: c.1226G>T on transcript NM_014000.3 (MANE Select); coding-DNA position 1226, G replaced by T.
Protein change: p.Arg409Leu; replaces arginine 409 with leucine.
Molecular consequence: missense variant.
Genome position (GRCh38, 1-based): chr10:74,090,072, G>T. VCF-style: chr10-74090072-G-T. GRCh37 (hg19) VCF-style: chr10-75849830-G-T.
Other names: c.1226G>T, p.Arg409Leu (NM_003373.4); short protein forms R409L.
Identifiers: ClinVar variation 4739229 (VCV004739229.1).